The following is an entry in ClinVar:

ClinVar aggregate classification (germline): Pathogenic (1 of 4 stars; one submission).

Conditions:
Septo-optic dysplasia sequence (SOD). Also called: DE MORSIER SYNDROME; Septo-optic dysplasia. Identifiers: Orphanet 3157, MedGen C0338503, MONDO:0008428, OMIM 182230, HP:0100842.
GROWTH HORMONE DEFICIENCY WITH PITUITARY ANOMALIES. Identifiers: MedGen C2750027, OMIM 182230.

Submission:

Labcorp Genetics (formerly Invitae), Labcorp
Classification: Pathogenic for GROWTH HORMONE DEFICIENCY WITH PITUITARY ANOMALIES; Septo-optic dysplasia sequence. Last evaluated: 2022-02-28. Review status: criteria provided, single submitter. Criteria: Invitae Variant Classification Sherloc (09022015). Collection method: clinical testing. Allele origin: germline.
Comment: This sequence change creates a premature translational stop signal (p.Trp45*) in the HESX1 gene. It is expected to result in an absent or disrupted protein product. Loss-of-function variants in HESX1 are known to be pathogenic (PMID: 9620767, 16940453, 21270112). This variant is not present in population databases (gnomAD no frequency). This variant has not been reported in the literature in individuals affected with HESX1-related conditions. For these reasons, this variant has been classified as Pathogenic.

Literature cited by the submitters: PubMed 9620767; PubMed 16940453; PubMed 21270112.

NM_003865.3(HESX1):c.135G>A (p.Trp45Ter)

Gene: HESX1 (HESX homeobox 1; minus strand). Cytogenetic location: 3p14.3.
Variant type: single nucleotide variant.
Coding change: c.135G>A on transcript NM_003865.3 (MANE Select); coding-DNA position 135, G replaced by A.
Protein change: p.Trp45Ter; replaces tryptophan 45 with a stop codon.
Molecular consequence: nonsense.
Genome position (GRCh38, 1-based): chr3:57,199,784, C>T on the plus strand (G>A on the coding strand, the complement: HESX1 is on the minus strand). VCF-style: chr3-57199784-C-T. GRCh37 (hg19) VCF-style: chr3-57233812-C-T.
Other names: c.135G>A, p.Trp45Ter (NM_001376058.1, NM_001376059.1, NM_001376060.1 and 1 more transcripts); short protein forms W45*.
Identifiers: ClinVar variation 1470869 (VCV001470869.3), dbSNP rs2107565760, ClinGen allele CA353401960.